The following is an entry in ClinVar:

NM_001009944.3(PKD1):c.9605T>G (p.Val3202Gly)

Gene: PKD1 (polycystin 1, transient receptor potential channel interacting; minus strand). Cytogenetic location: 16p13.3.
Variant type: single nucleotide variant.
Coding change: c.9605T>G on transcript NM_001009944.3 (MANE Select); coding-DNA position 9605, T replaced by G.
Protein change: p.Val3202Gly; replaces valine 3202 with glycine.
Molecular consequence: missense variant.
Genome position (GRCh38, 1-based): chr16:2,100,273, A>C on the plus strand (T>G on the coding strand, the complement: PKD1 is on the minus strand). VCF-style: chr16-2100273-A-C. GRCh37 (hg19) VCF-style: chr16-2150274-A-C.
Other names: c.9605T>G, p.Val3202Gly (NM_000296.4); short protein forms V3202G.
Identifiers: ClinVar variation 3901646 (VCV003901646.1).

ClinVar aggregate classification (germline): Uncertain significance (1 of 4 stars; one submission).

Submission:

GeneDx
Classification: Uncertain significance. Last evaluated: 2024-12-04. Review status: criteria provided, single submitter. Criteria: GeneDx Variant Classification Process June 2021. Collection method: clinical testing. Allele origin: germline. Affected: yes.
Comment: Not observed at significant frequency in large population cohorts (gnomAD); In silico analysis supports that this missense variant has a deleterious effect on protein structure/function; Has not been previously published as pathogenic or benign to our knowledge